The following is an entry in ClinVar:

ClinVar aggregate classification (germline): Uncertain significance (1 of 4 stars; one submission).

Conditions:
Epileptic encephalopathy. Identifiers: MedGen C0543888, HP:0200134.

Submission:

Labcorp Genetics (formerly Invitae), Labcorp
Classification: Uncertain significance for Epileptic encephalopathy. Last evaluated: 2022-11-08. Review status: criteria provided, single submitter. Criteria: Invitae Variant Classification Sherloc (09022015). Collection method: clinical testing. Allele origin: germline.
Comment: In summary, the available evidence is currently insufficient to determine the role of this variant in disease. Therefore, it has been classified as a Variant of Uncertain Significance. Algorithms developed to predict the effect of missense changes on protein structure and function are either unavailable or do not agree on the potential impact of this missense change (SIFT: "Deleterious"; PolyPhen-2: "Possibly Damaging"; Align-GVGD: "Class C0"). ClinVar contains an entry for this variant (Variation ID: 462072). This variant has not been reported in the literature in individuals affected with FASN-related conditions. This variant is not present in population databases (gnomAD no frequency). This sequence change replaces asparagine, which is neutral and polar, with serine, which is neutral and polar, at codon 18 of the FASN protein (p.Asn18Ser).

NM_004104.5(FASN):c.53A>G (p.Asn18Ser)

Gene: FASN (fatty acid synthase; minus strand). Cytogenetic location: 17q25.3.
Variant type: single nucleotide variant.
Coding change: c.53A>G on transcript NM_004104.5 (MANE Select); coding-DNA position 53, A replaced by G.
Protein change: p.Asn18Ser; replaces asparagine 18 with serine.
Molecular consequence: missense variant.
Genome position (GRCh38, 1-based): chr17:82,096,393, T>C on the plus strand (A>G on the coding strand, the complement: FASN is on the minus strand). VCF-style: chr17-82096393-T-C. GRCh37 (hg19) VCF-style: chr17-80054269-T-C.
Other names: short protein forms N18S.
Identifiers: ClinVar variation 462072 (VCV000462072.8), dbSNP rs1555669844, ClinGen allele CA401567091.